The following is an entry in ClinVar:

ClinVar aggregate classification (germline): Conflicting classifications of pathogenicity. Review status: criteria provided, conflicting classifications (1 of 4 stars). 6 submissions from 6 submitters: Uncertain significance (4); Likely benign (1). 1 of the submissions does not count toward it. Last evaluated 2025-06-19.

Conditions:
Limb-girdle muscular dystrophy due to POMK deficiency. Also called: Muscular dystrophy-dystroglycanopathy (limb-girdle), type c, 12; MUSCULAR DYSTROPHY-DYSTROGLYCANOPATHY, LIMB-GIRDLE, POMK-RELATED. Identifiers: Orphanet 445110, MedGen C4015184, MONDO:0014489, OMIM 616094.
Muscular dystrophy-dystroglycanopathy (congenital with brain and eye anomalies), type a, 12 (MDDGA12). Also called: WALKER-WARBURG SYNDROME OR MUSCLE-EYE-BRAIN DISEASE, POMK-RELATED. Identifiers: Orphanet 899, MedGen C3808964, MONDO:0014101, OMIM 615249.
Inborn genetic diseases. Identifiers: MedGen C0950123, MeSH D030342.

Allele frequency attached by ClinVar (database versions not stated): gnomAD 0.00007 and 0.00008; TOPMed 0.00009; ESP Exome Variant Server 0.00015; gnomAD exomes 0.00015; ExAC 0.00016.
gnomAD v4.1: 163 of 1,614,058 alleles (0.01%); highest among the groups gnomAD compares: Middle Eastern, 0.066%; no homozygotes.

Submissions (6):

Ambry Genetics
Classification: Uncertain significance for Inborn genetic diseases. Last evaluated: 2025-06-19. Review status: criteria provided, single submitter. Criteria: Ambry Variant Classification Scheme 2023. Collection method: clinical testing. Allele origin: germline.

Revvity Omics, Revvity
Classification: Uncertain significance. Last evaluated: 2024-01-18. Review status: criteria provided, single submitter. Criteria: ACMG Guidelines, 2015. Collection method: clinical testing. Allele origin: germline.

CeGaT Center for Human Genetics Tuebingen
Classification: Likely benign. Last evaluated: 2023-01-01. Review status: criteria provided, single submitter. Criteria: CeGaT Center For Human Genetics Tuebingen Variant Classification Criteria Version 2. Collection method: clinical testing. Allele origin: germline. Affected: yes. Observed: 2 variant alleles.
Comment: POMK: BP4

Labcorp Genetics (formerly Invitae), Labcorp
Classification: Uncertain significance for Muscular dystrophy-dystroglycanopathy (congenital with brain and eye anomalies), type a, 12; Limb-girdle muscular dystrophy due to POMK deficiency. Last evaluated: 2022-09-27. Review status: criteria provided, single submitter. Criteria: Invitae Variant Classification Sherloc (09022015). Collection method: clinical testing. Allele origin: germline.
Comment: This sequence change replaces asparagine, which is neutral and polar, with serine, which is neutral and polar, at codon 235 of the POMK protein (p.Asn235Ser). This variant is present in population databases (rs200742772, gnomAD 0.1%). This variant has not been reported in the literature in individuals affected with POMK-related conditions. ClinVar contains an entry for this variant (Variation ID: 474196). Advanced modeling of protein sequence and biophysical properties (such as structural, functional, and spatial information, amino acid conservation, physicochemical variation, residue mobility, and thermodynamic stability) performed at Invitae indicates that this missense variant is not expected to disrupt POMK protein function. Algorithms developed to predict the effect of sequence changes on RNA splicing suggest that this variant may create or strengthen a splice site. In summary, the available evidence is currently insufficient to determine the role of this variant in disease. Therefore, it has been classified as a Variant of Uncertain Significance.

GeneDx
Classification: Uncertain significance. Last evaluated: 2021-06-04. Review status: criteria provided, single submitter. Criteria: GeneDx Variant Classification Process June 2021. Collection method: clinical testing. Allele origin: germline. Affected: yes.
Comment: In silico analysis, which includes protein predictors and evolutionary conservation, supports that this variant does not alter protein structure/function; Has not been previously published as pathogenic or benign to our knowledge; This variant is associated with the following publications: (PMID: 27879205, 24925318, 27535533)

Department of Pathology and Laboratory Medicine, Sinai Health System
Classification: Uncertain significance for Muscular dystrophy-dystroglycanopathy (congenital with brain and eye anomalies), type a, 12. Review status: no assertion criteria provided. Collection method: clinical testing. Allele origin: unknown. Affected: yes. Study: The Canadian Open Genetics Repository (COGR). Not counted in ClinVar's aggregate classification.
Comment: This sequence change replaces asparagine with serine at codon 235 of the POMK protein (p.Asn235Ser). The asparagine residue is moderately conserved and there is a small physicochemical difference between asparagine and serine. This variant is present in population databases (rs200742772, ExAC 0.03%). This variant has not been reported in the literature in individuals with POMK-related disease. ClinVar contains an entry for this variant (Variation ID: 474196). Algorithms developed to predict the effect of missense changes on protein structure and function (SIFT, PolyPhen-2, Align-GVGD) all suggest that this variant is likely to be tolerated, but these predictions have not been confirmed by published functional studies and their clinical significance is uncertain. Algorithms developed to predict the effect of sequence changes on RNA splicing suggest that this variant may create or strengthen a splice site, but this prediction has not been confirmed by published transcriptional studies. In summary, the available evidence is currently insufficient to determine the role of this variant in disease. Therefore, it has been classified as a Variant of Uncertain Significance. Â¬â€ (ClinVar: Invitae)

NM_032237.5(POMK):c.704A>G (p.Asn235Ser)

Gene: POMK (protein O-mannose kinase; plus strand). Cytogenetic location: 8p11.21.
Variant type: single nucleotide variant.
Coding change: c.704A>G on transcript NM_032237.5 (MANE Select); coding-DNA position 704, A replaced by G.
Protein change: p.Asn235Ser; replaces asparagine 235 with serine.
Molecular consequence: missense variant.
Genome position (GRCh38, 1-based): chr8:43,122,528, A>G. VCF-style: chr8-43122528-A-G. GRCh37 (hg19) VCF-style: chr8-42977671-A-G.
Other names: c.704A>G (NM_032237.3); c.704A>G, p.Asn235Ser (NM_001277971.2); short protein forms N235S.
Identifiers: ClinVar variation 474196 (VCV000474196.36), dbSNP rs200742772, ClinGen allele CA4736340.